The following is an entry in ClinVar:

NM_000051.4(ATM):c.1859_1860del (p.Asn619_Cys620insTer)

Gene: ATM (ATM serine/threonine kinase; plus strand). Cytogenetic location: 11q22.3.
Variant type: Deletion.
Coding change: c.1859_1860del on transcript NM_000051.4 (MANE Select); coding-DNA positions 1859 to 1860, 2 bases deleted (GT; older notation c.1859_1860delGT).
Protein change: p.Asn619_Cys620insTer.
Molecular consequence: nonsense.
Genome position (GRCh38, 1-based): chr11:108,252,873-108,252,874, GT deleted; deleting any 2 consecutive bases within chr11:108,252,872-108,252,874 gives the same sequence; the c. name uses the placement nearest the transcript's 3' end. VCF-style (leftmost placement, unchanged base first): chr11-108252871-CTG-C. GRCh37 (hg19) VCF-style: chr11-108123598-CTG-C.
Other names: c.1859_1860delGT (NM_000051.3); c.1859_1860del, p.Asn619_Cys620insTer (NM_001351834.2).
Identifiers: ClinVar variation 919711 (VCV000919711.12), dbSNP rs2080230745, ClinGen allele CA1139662159.

ClinVar aggregate classification (germline): Pathogenic/Likely pathogenic. Review status: criteria provided, multiple submitters, no conflicts (2 of 4 stars). 5 submissions from 5 submitters: Pathogenic (4); Likely pathogenic (1). Last evaluated 2025-11-14.

Conditions:
Hereditary cancer-predisposing syndrome. Also called: Hereditary Cancer Syndrome; Hereditary neoplastic syndrome; Neoplastic Syndromes, Hereditary; Tumor predisposition. Identifiers: Orphanet 140162, MedGen C0027672, MeSH D009386, MONDO:0015356.
Familial cancer of breast. Also called: hereditary breast carcinoma; BREAST CANCER, FAMILIAL; Hereditary breast cancer. Identifiers: Orphanet 227535, MedGen C0346153, MONDO:0016419, OMIM 114480. Disease mechanism: loss of function.
Ataxia-telangiectasia syndrome (AT). Also called: Ataxia-telangiectasia, complementation group E; LOUIS-BAR SYNDROME; Cerebello-oculocutaneous telangiectasia; Immunodeficiency with ataxia telangiectasia; Ataxia-telangiectasia, complementation group D; AT, COMPLEMENTATION GROUP C. Identifiers: Orphanet 100, MedGen C0004135, MONDO:0008840, OMIM 208900.

Submissions (5):

Ambry Genetics
Classification: Pathogenic for Hereditary cancer-predisposing syndrome. Last evaluated: 2025-11-14. Review status: criteria provided, single submitter. Criteria: Ambry Variant Classification Scheme 2023. Collection method: clinical testing. Allele origin: germline.
Comment: The c.1859_1860delGT pathogenic mutation, located in coding exon 11 of the ATM gene, results from a deletion of two nucleotides at nucleotide positions 1859 to 1860, causing a translational frameshift with a predicted alternate stop codon (p.C620*). This variant is considered to be rare based on population cohorts in the Genome Aggregation Database (gnomAD). This alteration is expected to result in loss of function by premature protein truncation or nonsense-mediated mRNA decay. As such, this alteration is interpreted as a disease-causing mutation.

Labcorp Genetics (formerly Invitae), Labcorp
Classification: Pathogenic for Ataxia-telangiectasia syndrome. Last evaluated: 2025-04-09. Review status: criteria provided, single submitter. Criteria: Invitae Variant Classification Sherloc (09022015). Collection method: clinical testing. Allele origin: germline.
Comment: This sequence change creates a premature translational stop signal (p.Cys620*) in the ATM gene. It is expected to result in an absent or disrupted protein product. Loss-of-function variants in ATM are known to be pathogenic (PMID: 23807571, 25614872). This variant is not present in population databases (gnomAD no frequency). This variant has not been reported in the literature in individuals affected with ATM-related conditions. ClinVar contains an entry for this variant (Variation ID: 919711). For these reasons, this variant has been classified as Pathogenic.

Myriad Genetics, Inc.
Classification: Pathogenic for Familial cancer of breast. Last evaluated: 2024-01-16. Review status: criteria provided, single submitter. Criteria: Myriad Autosomal Dominant, Autosomal Recessive and X-Linked Classification Criteria (2023). Collection method: clinical testing. Allele origin: unknown.
Comment: This variant is considered pathogenic. This variant creates a termination codon and is predicted to result in premature protein truncation.

Baylor Genetics
Classification: Likely pathogenic for Familial cancer of breast. Last evaluated: 2022-02-11. Review status: criteria provided, single submitter. Criteria: ACMG Guidelines, 2015. Collection method: clinical testing. Allele origin: unknown.

Color Diagnostics, LLC DBA Color Health
Classification: Pathogenic for Hereditary cancer-predisposing syndrome. Last evaluated: 2021-07-26. Review status: criteria provided, single submitter. Criteria: ACMG Guidelines, 2015. Collection method: clinical testing. Allele origin: germline.
Comment: This variant deletes 2 nucleotides in exon 12 of the ATM gene, creating a frameshift and premature translation stop signal. This variant is expected to result in an absent or non-functional protein product. To our knowledge, this variant has not been reported in individuals affected with hereditary cancer in the literature. This variant has not been identified in the general population by the Genome Aggregation Database (gnomAD). Loss of ATM function is a known mechanism of disease. Based on the available evidence, this variant is classified as Pathogenic.

Literature cited by the submitters: PubMed 23807571 (cited by Labcorp Genetics (formerly Invitae), Labcorp); PubMed 25614872 (cited by Labcorp Genetics (formerly Invitae), Labcorp).